The following is an entry in ClinVar:

NM_032793.5(MFSD2A):c.620A>G (p.Gln207Arg)

Gene: MFSD2A (MFSD2 lysolipid transporter A, lysophospholipid; plus strand). Cytogenetic location: 1p34.2.
Variant type: single nucleotide variant.
Coding change: c.620A>G on transcript NM_032793.5 (MANE Select); coding-DNA position 620, A replaced by G.
Protein change: p.Gln207Arg; replaces glutamine 207 with arginine.
Molecular consequence: missense variant. On other transcripts: non-coding transcript variant (1).
Genome position (GRCh38, 1-based): chr1:39,965,920, A>G. VCF-style: chr1-39965920-A-G. GRCh37 (hg19) VCF-style: chr1-40431592-A-G.
Other names: c.659A>G, p.Gln220Arg (NM_001136493.3); c.152A>G, p.Gln51Arg (NM_001287808.2); c.509A>G, p.Gln170Arg (NM_001287809.2); c.614A>G, p.Gln205Arg (NM_001349821.2); c.620A>G, p.Gln207Arg (NM_001349822.2); c.275A>G, p.Gln92Arg (NM_001349823.2); c.659A>G (NM_001136493.1); short protein forms Q170R, Q92R, Q205R, Q207R, Q220R, Q51R.
Identifiers: ClinVar variation 1915546 (VCV001915546.4), dbSNP rs771576697, ClinGen allele CA788724.

ClinVar aggregate classification (germline): Uncertain significance. Review status: criteria provided, multiple submitters, no conflicts (2 of 4 stars). 2 submissions from 2 submitters: Uncertain significance (2). Last evaluated 2025-07-01.

Conditions:
Inborn genetic diseases. Identifiers: MedGen C0950123, MeSH D030342.

Allele frequency attached by ClinVar (database versions not stated): TOPMed below 0.00001; gnomAD exomes 0.00001; ExAC 0.00002.
gnomAD v4.1: 3 of 1,614,158 alleles (0.00019%); highest among the groups gnomAD compares: Admixed American, 0.005%; no homozygotes.

Submissions (2):

Ambry Genetics
Classification: Uncertain significance for Inborn genetic diseases. Last evaluated: 2025-07-01. Review status: criteria provided, single submitter. Criteria: Ambry Variant Classification Scheme 2023. Collection method: clinical testing. Allele origin: germline.

Labcorp Genetics (formerly Invitae), Labcorp
Classification: Uncertain significance. Last evaluated: 2022-03-11. Review status: criteria provided, single submitter. Criteria: Invitae Variant Classification Sherloc (09022015). Collection method: clinical testing. Allele origin: germline.
Comment: In summary, the available evidence is currently insufficient to determine the role of this variant in disease. Therefore, it has been classified as a Variant of Uncertain Significance. Algorithms developed to predict the effect of missense changes on protein structure and function (SIFT, PolyPhen-2, Align-GVGD) all suggest that this variant is likely to be tolerated. This variant has not been reported in the literature in individuals affected with MFSD2A-related conditions. This variant is present in population databases (rs771576697, gnomAD 0.01%). This sequence change replaces glutamine, which is neutral and polar, with arginine, which is basic and polar, at codon 220 of the MFSD2A protein (p.Gln220Arg).